The following is an entry in ClinVar:

NM_181486.4(TBX5):c.506G>T (p.Gly169Val)

Gene: TBX5 (T-box transcription factor 5; minus strand). Cytogenetic location: 12q24.21.
Variant type: single nucleotide variant.
Coding change: c.506G>T on transcript NM_181486.4 (MANE Select); coding-DNA position 506, G replaced by T.
Protein change: p.Gly169Val; replaces glycine 169 with valine.
Molecular consequence: missense variant.
Genome position (GRCh38, 1-based): chr12:114,398,577, C>A on the plus strand (G>T on the coding strand, the complement: TBX5 is on the minus strand). VCF-style: chr12-114398577-C-A. GRCh37 (hg19) VCF-style: chr12-114836382-C-A.
Other names: c.506G>T, p.Gly169Val (NM_000192.3); c.356G>T, p.Gly119Val (NM_080717.4); short protein forms G119V, G169V.
Identifiers: ClinVar variation 3051229 (VCV003051229.3), dbSNP rs2540471325, ClinGen allele CA386861944.

ClinVar aggregate classification (germline): Uncertain significance. Review status: criteria provided, single submitter (1 of 4 stars). 2 submissions from 2 submitters: Uncertain significance (1). 1 of the submissions does not count toward it. Last evaluated 2024-07-17.

Conditions:
TBX5-related disorder. Also called: TBX5-related condition.
Cardiovascular phenotype. Identifiers: MedGen CN230736.

Submissions (2):

Ambry Genetics
Classification: Uncertain significance for Cardiovascular phenotype. Last evaluated: 2024-07-17. Review status: criteria provided, single submitter. Criteria: Ambry Variant Classification Scheme 2023. Collection method: clinical testing. Allele origin: germline.
Comment: The p.G169V variant (also known as c.506G>T), located in coding exon 4 of the TBX5 gene, results from a G to T substitution at nucleotide position 506. The glycine at codon 169 is replaced by valine, an amino acid with dissimilar properties. This amino acid position is conserved. In addition, this alteration is predicted to be deleterious by in silico analysis. Based on the available evidence, the clinical significance of this variant remains unclear.

PreventionGenetics, part of Exact Sciences
Classification: Uncertain significance for TBX5-related condition. Last evaluated: 2023-12-06. Review status: no assertion criteria provided. Collection method: clinical testing. Allele origin: germline. Not counted in ClinVar's aggregate classification.
Comment: The TBX5 c.506G>T variant is predicted to result in the amino acid substitution p.Gly169Val. This variant is located in the highly conserved T-box domain which is involved in DNA binding. To our knowledge, this variant has not been reported in the literature or in a large population database, indicating this variant is rare. A different missense variant affecting the same amino acid (p.Gly169Arg) has been reported in a family with congenital heart disease with minor skeletal features (Cross et al. 2000. PubMed ID: 11183182; Fan et al. 2003. PubMed ID: 12499378). Although we suspect this variant may be pathogenic, at this time, the clinical significance of this variant is uncertain due to the absence of conclusive functional and genetic evidence.